The following is an entry in ClinVar:

ClinVar aggregate classification (germline): Benign/Likely benign. Review status: criteria provided, multiple submitters, no conflicts (2 of 4 stars). 2 submissions from 2 submitters: Benign (1); Likely benign (1). Last evaluated 2025-04-09.

Allele frequency attached by ClinVar (database versions not stated): 1000 Genomes Project 0.00260; 1000 Genomes Project 30x 0.00281.
gnomAD v4.1: 1,017 of 152,188 alleles (0.67%); highest among the groups gnomAD compares: Non-Finnish European, 1%; 10 homozygotes.

Submissions (2):

Molecular Diagnostic Laboratory for Inherited Cardiovascular Disease, Montreal Heart Institute
Classification: Likely benign. Last evaluated: 2025-04-09. Review status: criteria provided, single submitter. Criteria: ACMG Guidelines, 2015. Collection method: clinical testing. Allele origin: germline. Affected: no.

CeGaT Center for Human Genetics Tuebingen
Classification: Benign. Last evaluated: 2022-11-01. Review status: criteria provided, single submitter. Criteria: CeGaT Center For Human Genetics Tuebingen Variant Classification Criteria Version 2. Collection method: clinical testing. Allele origin: germline. Affected: yes. Observed: 1 variant allele.
Comment: TECRL: BS1, BS2

NM_001010874.5(TECRL):c.832+1284G>C

Gene: TECRL (trans-2,3-enoyl-CoA reductase like; minus strand). Cytogenetic location: 4q13.1.
Variant type: single nucleotide variant.
Coding change: c.832+1284G>C on transcript NM_001010874.5 (MANE Select); 1284 bases into the intron after coding-DNA position 832, G replaced by C.
Molecular consequence: intron variant.
Genome position (GRCh38, 1-based): chr4:64,288,426, C>G on the plus strand (G>C on the coding strand, the complement: TECRL is on the minus strand). VCF-style: chr4-64288426-C-G. GRCh37 (hg19) VCF-style: chr4-65154144-C-G.
Other names: c.832+1284G>C (NM_001010874.4, NM_001363796.1).
Identifiers: ClinVar variation 2654779 (VCV002654779.25), dbSNP rs186968162, ClinGen allele CA98608213.
Genomic context (GRCh38, chr4:64,288,426, plus strand): 5'-TTAACAACTACAGGAGAAGTTGCTGAAGAACTCAACATCGACCGTTCTACAGTCCTCAGG[C>G]ATTTGAAGCAAATTGGAGAGGTGAAAAAGCTCGATAAGTCAGTTCCTCATAAGCTGATCG-3'